The following is an entry in ClinVar:

ClinVar aggregate classification (germline): Likely benign (1 of 4 stars; one submission).

Allele frequency attached by ClinVar (database versions not stated): gnomAD 0.00001; TOPMed 0.00001; gnomAD exomes 0.00002.
gnomAD v4.1: 31 of 1,614,016 alleles (0.0019%); highest among the groups gnomAD compares: Middle Eastern, 0.25%; 1 homozygote.

Submission:

CeGaT Center for Human Genetics Tuebingen
Classification: Likely benign. Last evaluated: 2023-01-01. Review status: criteria provided, single submitter. Criteria: CeGaT Center For Human Genetics Tuebingen Variant Classification Criteria Version 2. Collection method: clinical testing. Allele origin: germline. Affected: yes. Observed: 1 variant allele.
Comment: RTN3: BP4, BP7

NM_001265589.2(RTN3):c.1011C>T (p.Asn337=)

Gene: RTN3 (reticulon 3; plus strand). Cytogenetic location: 11q13.1.
Variant type: single nucleotide variant.
Coding change: c.1011C>T on transcript NM_001265589.2 (MANE Select); coding-DNA position 1011, C replaced by T.
Protein change: p.Asn337=; no amino-acid change (asparagine 337 retained).
Molecular consequence: synonymous variant. On other transcripts: intron variant (4).
Genome position (GRCh38, 1-based): chr11:63,719,513, C>T. VCF-style: chr11-63719513-C-T. GRCh37 (hg19) VCF-style: chr11-63486985-C-T.
Other names: c.675C>T, p.Asn225= (NM_001265590.2); c.954C>T, p.Asn318= (NM_201428.3); c.199+14606C>T (NM_201429.2); c.143-30478C>T (NM_006054.4, NM_201430.3, NM_001265591.2).
Identifiers: ClinVar variation 2641901 (VCV002641901.24), dbSNP rs867805352, ClinGen allele CA223754268.
Genomic context (GRCh38, chr11:63,719,513, plus strand): 5'-CACAAATGCAGCACTGGAAGAGGTGTCCAGATGCGTGAATGATATGCATAACTTTACTAA[C>T]GAAATACTGACTTGGGATCTGGTTCCCCAAGTGAAACAACAGACCGATAAATCTTCTGAC-3'
Protein context (NP_001252518.1, residues 327-347): RCVNDMHNFT[Asn337=]EILTWDLVPQ